The following is an entry in ClinVar:

ClinVar aggregate classification (germline): Likely pathogenic (1 of 4 stars; one submission).

Conditions:
3-hydroxy-3-methylglutaryl-CoA synthase deficiency (HMGCS2D). Also called: MITOCHONDRIAL HMG-CoA SYNTHASE DEFICIENCY; HMG-CoA synthase-2 deficiency; HMGCS2 DEFICIENCY. Identifiers: Orphanet 35701, MedGen C2751532, MONDO:0011614, OMIM 605911.

Allele frequency attached by ClinVar (database versions not stated): gnomAD exomes below 0.00001.
gnomAD v4.1: 3 of 1,614,178 alleles (0.00019%); highest among the groups gnomAD compares: South Asian, 0.0033%; no homozygotes.

Submission:

Victorian Clinical Genetics Services, Murdoch Childrens Research Institute
Classification: Likely pathogenic for 3-hydroxy-3-methylglutaryl-CoA synthase deficiency. Last evaluated: 2019-01-07. Review status: criteria provided, single submitter. Criteria: ACMG Guidelines, 2015. Collection method: clinical testing. Allele origin: maternal. Affected: yes. Observed: 2 variant alleles.
Comment: A heterozygous missense variant, NM_005518.3(HMGCS2):c.905C>T, has been identified in exon 5 of 10 of the HMGCS2 gene. The variant is predicted to result in a moderate amino acid change from threonine to isoleucine at position 302 of the protein (NP_005509.1(HMGCS2):p.(Thr302Ile)). The threonine residue at this position has high conservation (100 vertebrates, UCSC), and is located within the hydroxymethylglutaryl-coenzyme A synthase C terminal domain. In silico predictions for this variant are consistently pathogenic (Polyphen, SIFT, CADD, Mutation Taster). The variant is absent in the gnomAD population database, and has not been previously reported in clinical cases. Following multidisciplinary clinical review of this case, this variant was determined to be highly concordant with the phenotypic presentation of the patient. Based on the information available at the time of curation, this variant has been classified as LIKELY PATHOGENIC.

NM_005518.4(HMGCS2):c.905C>T (p.Thr302Ile)

Gene: HMGCS2 (3-hydroxy-3-methylglutaryl-CoA synthase 2; minus strand). Cytogenetic location: 1p12.
Variant type: single nucleotide variant.
Coding change: c.905C>T on transcript NM_005518.4 (MANE Select); coding-DNA position 905, C replaced by T.
Protein change: p.Thr302Ile; replaces threonine 302 with isoleucine.
Molecular consequence: missense variant.
Genome position (GRCh38, 1-based): chr1:119,757,384, G>A on the plus strand (C>T on the coding strand, the complement: HMGCS2 is on the minus strand). VCF-style: chr1-119757384-G-A. GRCh37 (hg19) VCF-style: chr1-120300007-G-A.
Other names: c.779C>T, p.Thr260Ile (NM_001166107.1); short protein forms T260I, T302I.
Identifiers: ClinVar variation 870424 (VCV000870424.2), dbSNP rs1652875135, ClinGen allele CA341860680.